The following is an entry in ClinVar:

ClinVar aggregate classification (germline): Likely benign (1 of 4 stars; one submission).

Conditions:
ASAH1-related disorders. Also called: ASAH1-related condition; ASAH1-related disorder. Identifiers: MedGen CN376120, MONDO:0800460.

gnomAD v4.1: 38 of 1,613,248 alleles (0.0024%); highest among the groups gnomAD compares: African/African-American, 0.043%; no homozygotes.

Submission:

PreventionGenetics, part of Exact Sciences
Classification: Likely benign for ASAH1-related condition. Last evaluated: 2024-12-12. Review status: criteria provided, single submitter. Criteria: ACMG Guidelines, 2015. Collection method: clinical testing. Allele origin: germline.
Comment: This variant is classified as likely benign based on ACMG/AMP sequence variant interpretation guidelines (Richards et al. 2015 PMID: 25741868, with internal and published modifications).

NM_004315.6(ASAH1):c.126+7A>C

Gene: ASAH1 (N-acylsphingosine amidohydrolase 1; minus strand). Cytogenetic location: 8p22.
Variant type: single nucleotide variant.
Coding change: c.126+7A>C on transcript NM_004315.6; 7 bases into the intron after coding-DNA position 126, A replaced by C.
Molecular consequence: intron variant.
Genome position (GRCh38, 1-based): chr8:18,084,669, T>G on the plus strand (A>C on the coding strand, the complement: ASAH1 is on the minus strand). VCF-style: chr8-18084669-T-G. GRCh37 (hg19) VCF-style: chr8-17942178-T-G.
Other names: c.126+7A>C (NM_001127505.3).
Identifiers: ClinVar variation 4978601 (VCV004978601.1).
Genomic context (GRCh38, chr8:18,084,669, plus strand): 5'-AGTTGAGTGGCCGAGGAGTGAGAGAGAATCGAATCCACTCGGGTCCTCCAAGCTGTTGGT[T>G]ACCCACTTGGGCTTTCACAGCAAAGCTGCCAAATCCCAGAATTGAGGCCTCGGTGAAAAG-3'